The following is an entry in ClinVar:

ClinVar aggregate classification (germline): Uncertain significance (1 of 4 stars; one submission).

Conditions:
Hereditary cancer-predisposing syndrome. Also called: Neoplastic Syndromes, Hereditary; Tumor predisposition; Hereditary neoplastic syndrome; Hereditary Cancer Syndrome. Identifiers: Orphanet 140162, MedGen C0027672, MeSH D009386, MONDO:0015356.

Submission:

Ambry Genetics
Classification: Uncertain significance for Hereditary cancer-predisposing syndrome. Last evaluated: 2024-01-29. Review status: criteria provided, single submitter. Criteria: Ambry Variant Classification Scheme 2023. Collection method: clinical testing. Allele origin: germline.
Comment: The p.V595E variant (also known as c.1784T>A), located in coding exon 11 of the PMS2 gene, results from a T to A substitution at nucleotide position 1784. The valine at codon 595 is replaced by glutamic acid, an amino acid with dissimilar properties. This amino acid position is conserved. In addition, this alteration is predicted to be tolerated by in silico analysis. Based on the available evidence, the clinical significance of this alteration remains unclear.

NM_000535.7(PMS2):c.1784T>A (p.Val595Glu)

Gene: PMS2 (PMS1 homolog 2, mismatch repair system component; minus strand). Cytogenetic location: 7p22.1.
Variant type: single nucleotide variant.
Coding change: c.1784T>A on transcript NM_000535.7 (MANE Select); coding-DNA position 1784, T replaced by A.
Protein change: p.Val595Glu; replaces valine 595 with glutamic acid.
Molecular consequence: missense variant. On other transcripts: non-coding transcript variant (1), intron variant (1).
Genome position (GRCh38, 1-based): chr7:5,986,981, A>T on the plus strand (T>A on the coding strand, the complement: PMS2 is on the minus strand). VCF-style: chr7-5986981-A-T. GRCh37 (hg19) VCF-style: chr7-6026612-A-T.
Other names: c.1379T>A, p.Val460Glu (NM_001406891.1, NM_001406892.1, NM_001406893.1 and 17 more transcripts); c.1319T>A, p.Val440Glu (NM_001406900.1); c.1310T>A, p.Val437Glu (NM_001406901.1, NM_001406902.1); c.1466T>A, p.Val489Glu (NM_001406903.1, NM_001322007.2, NM_001322008.2 and 2 more transcripts); c.1271T>A, p.Val424Glu (NM_001406904.1, NM_001406905.1); c.1223T>A, p.Val408Glu (NM_001406906.1, NM_001406907.1, NM_001322010.2); c.1211T>A, p.Val404Glu (NM_001406909.1, NM_001322013.2); c.1013T>A, p.Val338Glu (NM_001406911.1); and 13 more; short protein forms V284E, V338E, V404E, V408E, V424E, V437E, V440E, V460E.
Identifiers: ClinVar variation 3231986 (VCV003231986.1), dbSNP rs1554297236, ClinGen allele CA366739869.